The following is an entry in ClinVar:

ClinVar aggregate classification (germline): Benign. Review status: criteria provided, multiple submitters, no conflicts (2 of 4 stars). 3 submissions from 2 submitters: Benign (3). Last evaluated 2018-01-12.

Conditions:
Leber congenital amaurosis 11 (LCA11). Identifiers: Orphanet 65, MedGen C1840284, MONDO:0013454, OMIM 613837.
Retinitis pigmentosa (RP). Identifiers: Orphanet 791, MedGen C0035334, MeSH D012174, MONDO:0019200, OMIM 268000. Inheritance: Autosomal dominant, autosomal recessive and X linked inheritance.

Allele frequency attached by ClinVar (database versions not stated): gnomAD exomes 0.01405; gnomAD 0.01623 and 0.01779; TOPMed 0.01698; 1000 Genomes Project 30x 0.02233; 1000 Genomes Project 0.02276.
gnomAD v4.1: 2,731 of 154,144 alleles (1.8%); highest among the groups gnomAD compares: South Asian, 5.5%; 39 homozygotes.

Submissions (3):

Illumina Laboratory Services, Illumina
Classification: Benign for Retinitis pigmentosa. Last evaluated: 2018-01-12. Review status: criteria provided, single submitter. Criteria: ICSL Variant Classification Criteria 13 December 2019. Collection method: clinical testing. Allele origin: germline.
Comment: This variant was observed in the ICSL laboratory as part of a predisposition screen in an ostensibly healthy population. It had not been previously curated by ICSL or reported in the Human Gene Mutation Database (HGMD: prior to June 1st, 2018), and was therefore a candidate for classification through an automated scoring system. Utilizing variant allele frequency, disease prevalence and penetrance estimates, and inheritance mode, an automated score was calculated to assess if this variant is too frequent to cause the disease. Based on the score and internal cut-off values, a variant classified as benign is not then subjected to further curation. The score for this variant resulted in a classification of benign for this disease.

Illumina Laboratory Services, Illumina
Classification: Benign for Leber congenital amaurosis 11. Last evaluated: 2018-01-12. Review status: criteria provided, single submitter. Criteria: ICSL Variant Classification Criteria 13 December 2019. Collection method: clinical testing. Allele origin: germline.
Comment: the same text as in the submission from Illumina Laboratory Services, Illumina above.

Breakthrough Genomics
Classification: Benign. Review status: criteria provided, single submitter. Criteria: ACMG Guidelines, 2015. Collection method: not provided. Allele origin: germline. Inheritance: Autosomal dominant inheritance. Affected: yes.

NM_000883.4(IMPDH1):c.*634C>T

Gene: IMPDH1 (inosine monophosphate dehydrogenase 1; minus strand). Cytogenetic location: 7q32.1.
Variant type: single nucleotide variant.
Coding change: c.*634C>T on transcript NM_000883.4 (MANE Select); 634 bases downstream of the stop codon, C replaced by T.
Molecular consequence: 3 prime UTR variant.
Genome position (GRCh38, 1-based): chr7:128,392,373, G>A on the plus strand (C>T on the coding strand, the complement: IMPDH1 is on the minus strand). VCF-style: chr7-128392373-G-A. GRCh37 (hg19) VCF-style: chr7-128032427-G-A.
Other names: c.*634C>T (NM_001102605.2, NM_001142573.2, NM_001142574.2 and 4 more transcripts).
Identifiers: ClinVar variation 358858 (VCV000358858.6), dbSNP rs1803822, ClinGen allele CA10623218.